The following is an entry in ClinVar:

ClinVar aggregate classification (germline): Uncertain significance (0 of 4 stars; one submission).

Conditions:
WDPCP-related disorder. Also called: WDPCP-related condition.

Submission:

PreventionGenetics, part of Exact Sciences
Classification: Uncertain significance for WDPCP-related condition. Last evaluated: 2023-10-23. Review status: no assertion criteria provided. Collection method: clinical testing. Allele origin: germline.
Comment: The WDPCP c.1794C>G variant is predicted to result in the amino acid substitution p.Ile598Met. To our knowledge, this variant has not been reported in the literature or in a large population database, indicating this variant is rare. At this time, the clinical significance of this variant is uncertain due to the absence of conclusive functional and genetic evidence.

NM_015910.7(WDPCP):c.1748+18355C>G

Gene: WDPCP (WD repeat containing planar cell polarity effector; minus strand). Cytogenetic location: 2p15.
Variant type: single nucleotide variant.
Coding change: c.1748+18355C>G on transcript NM_015910.7 (MANE Select); 18355 bases into the intron after coding-DNA position 1748, C replaced by G.
Molecular consequence: intron variant. On other transcripts: missense variant (1).
Genome position (GRCh38, 1-based): chr2:63,360,031, G>C on the plus strand (C>G on the coding strand, the complement: WDPCP is on the minus strand). VCF-style: chr2-63360031-G-C. GRCh37 (hg19) VCF-style: chr2-63587166-G-C.
Other names: c.1794C>G, p.Ile598Met (NM_001354045.2); c.1676+18355C>G (NM_001354044.2); c.1271+18355C>G (NM_001042692.3); short protein forms I598M.
Identifiers: ClinVar variation 3348163 (VCV003348163.1).